The following is an entry in ClinVar:

ClinVar aggregate classification (germline): Pathogenic. Review status: reviewed by expert panel (3 of 4 stars). 2 submissions from 2 submitters: Pathogenic (1). 1 of the submissions does not count toward it. Last evaluated 2016-10-18.

Conditions:
Breast-ovarian cancer, familial, susceptibility to, 2 (BROVCA2). Also called: BRCA2 Hereditary Breast and Ovarian Cancer. Identifiers: Orphanet 145, MedGen C2675520, MONDO:0012933, OMIM 612555. Disease mechanism: loss of function.

Submissions (2):

Evidence-based Network for the Interpretation of Germline Mutant Alleles (ENIGMA)
Classification: Pathogenic for Breast-ovarian cancer, familial, susceptibility to, 2. Last evaluated: 2016-10-18. Review status: reviewed by expert panel. Criteria: ENIGMA BRCA1/2 Classification Criteria (2015). Collection method: curation. Allele origin: germline.
Comment: Variant allele predicted to encode a truncated non-functional protein.

Consortium of Investigators of Modifiers of BRCA1/2 (CIMBA), c/o University of Cambridge
Classification: Pathogenic for Breast-ovarian cancer, familial, susceptibility to, 2. Last evaluated: 2015-10-02. Review status: criteria provided, single submitter. Criteria: CIMBA Mutation Classification guidelines May 2016. Collection method: clinical testing. Allele origin: germline. Not counted in ClinVar's aggregate classification.

NM_000059.4(BRCA2):c.7565_7568del (p.Ile2521_Ser2522insTer)

Gene: BRCA2 (BRCA2 DNA repair associated; plus strand). Cytogenetic location: 13q13.1.
Variant type: Microsatellite.
Coding change: c.7565_7568del on transcript NM_000059.4 (MANE Select); coding-DNA positions 7565 to 7568, 4 bases deleted (CTCT; older notation c.7565_7568delCTCT).
Protein change: p.Ile2521_Ser2522insTer.
Molecular consequence: nonsense.
Genome position (GRCh38, 1-based): chr13:32,356,557-32,356,560, CTCT deleted; deleting any 4 consecutive bases within chr13:32,356,554-32,356,560 gives the same sequence; the c. name uses the placement nearest the transcript's 3' end. VCF-style (leftmost placement, unchanged base first): chr13-32356553-ATCTC-A. GRCh37 (hg19) VCF-style: chr13-32930690-ATCTC-A.
Other names: 7793del4-ter2522; c.7565_7568del (NM_000059.3).
Identifiers: ClinVar variation 267022 (VCV000267022.5), dbSNP rs80359664, ClinGen allele CA10589439.